The following is an entry in ClinVar:

ClinVar aggregate classification (germline): Uncertain significance. Review status: criteria provided, multiple submitters, no conflicts (2 of 4 stars). 2 submissions from 2 submitters: Uncertain significance (2). Last evaluated 2025-09-08.

Conditions:
Hereditary cancer-predisposing syndrome. Also called: Tumor predisposition; Hereditary neoplastic syndrome; Hereditary Cancer Syndrome; Neoplastic Syndromes, Hereditary. Identifiers: Orphanet 140162, MedGen C0027672, MeSH D009386, MONDO:0015356.
Tuberous sclerosis 2 (TSC2). Identifiers: Orphanet 805, MedGen C1860707, MONDO:0013199, OMIM 613254.

Submissions (2):

Labcorp Genetics (formerly Invitae), Labcorp
Classification: Uncertain significance for Tuberous sclerosis 2. Last evaluated: 2025-09-08. Review status: criteria provided, single submitter. Criteria: Invitae Variant Classification Sherloc (09022015). Collection method: clinical testing. Allele origin: germline.
Comment: This sequence change replaces proline, which is neutral and non-polar, with leucine, which is neutral and non-polar, at codon 1777 of the TSC2 protein (p.Pro1777Leu). This variant is not present in population databases (gnomAD no frequency). This variant has not been reported in the literature in individuals affected with TSC2-related conditions. ClinVar contains an entry for this variant (Variation ID: 2316507). Invitae Evidence Modeling of protein sequence and biophysical properties (such as structural, functional, and spatial information, amino acid conservation, physicochemical variation, residue mobility, and thermodynamic stability) indicates that this missense variant is not expected to disrupt TSC2 protein function with a negative predictive value of 95%. In summary, the available evidence is currently insufficient to determine the role of this variant in disease. Therefore, it has been classified as a Variant of Uncertain Significance.

Ambry Genetics
Classification: Uncertain significance for Hereditary cancer-predisposing syndrome. Last evaluated: 2025-06-15. Review status: criteria provided, single submitter. Criteria: Ambry Variant Classification Scheme 2023. Collection method: clinical testing. Allele origin: germline.
Comment: The p.P1777L variant (also known as c.5330C>T), located in coding exon 41 of the TSC2 gene, results from a C to T substitution at nucleotide position 5330. The proline at codon 1777 is replaced by leucine, an amino acid with similar properties. This amino acid position is conserved. In addition, the in silico prediction for this alteration is inconclusive. Based on the available evidence, the clinical significance of this variant remains unclear.

NM_000548.5(TSC2):c.5330C>T (p.Pro1777Leu)

Gene: TSC2 (TSC complex subunit 2; plus strand). Cytogenetic location: 16p13.3.
Variant type: single nucleotide variant.
Coding change: c.5330C>T on transcript NM_000548.5 (MANE Select); coding-DNA position 5330, C replaced by T.
Protein change: p.Pro1777Leu; replaces proline 1777 with leucine.
Molecular consequence: missense variant.
Genome position (GRCh38, 1-based): chr16:2,088,516, C>T. VCF-style: chr16-2088516-C-T. GRCh37 (hg19) VCF-style: chr16-2138517-C-T.
Other names: c.5189C>T, p.Pro1730Leu (NM_001370405.1); c.5327C>T, p.Pro1776Leu (NM_001406663.1); c.5258C>T, p.Pro1753Leu (NM_001406664.1); c.5252C>T, p.Pro1751Leu (NM_001406665.1); c.5222C>T, p.Pro1741Leu (NM_001406667.1); c.5219C>T, p.Pro1740Leu (NM_001406668.1); c.5150C>T, p.Pro1717Leu (NM_001406670.1); c.5120C>T, p.Pro1707Leu (NM_001406671.1); and 27 more; short protein forms P1285L, P1510L, P1673L, P1674L, P1706L, P1740L, P1753L, P1262L.
Identifiers: ClinVar variation 2316507 (VCV002316507.4), dbSNP rs1555441353, ClinGen allele CA394315607.